The following is an entry in ClinVar:

NM_018706.7(DHTKD1):c.2583G>A (p.Trp861Ter)

Gene: DHTKD1 (dehydrogenase E1 and transketolase domain containing 1; plus strand). Cytogenetic location: 10p14.
Variant type: single nucleotide variant.
Coding change: c.2583G>A on transcript NM_018706.7 (MANE Select); coding-DNA position 2583, G replaced by A.
Protein change: p.Trp861Ter; replaces tryptophan 861 with a stop codon.
Molecular consequence: nonsense.
Genome position (GRCh38, 1-based): chr10:12,120,192, G>A. VCF-style: chr10-12120192-G-A. GRCh37 (hg19) VCF-style: chr10-12162191-G-A.
Other names: short protein forms W861*.
Identifiers: ClinVar variation 2230330 (VCV002230330.3), dbSNP rs919130135, ClinGen allele CA202568082.

ClinVar aggregate classification (germline): Pathogenic. Review status: criteria provided, multiple submitters, no conflicts (2 of 4 stars). 2 submissions from 2 submitters: Pathogenic (2). Last evaluated 2025-10-03.

Conditions:
Inborn genetic diseases. Identifiers: MedGen C0950123, MeSH D030342.
2-aminoadipic 2-oxoadipic aciduria (AAKAD). Also called: Aminoadipic aciduria; ALPHA-AMINOADIPIC AND ALPHA-KETOADIPIC ACIDURIA. Identifiers: Orphanet 79154, MedGen C1859817, MONDO:0008774, OMIM 204750.

Allele frequency attached by ClinVar (database versions not stated): gnomAD exomes below 0.00001; TOPMed 0.00004; gnomAD 0.00006.
gnomAD v4.1: 13 of 1,613,546 alleles (0.00081%); highest among the groups gnomAD compares: African/African-American, 0.016%; no homozygotes.

Submissions (2):

Labcorp Genetics (formerly Invitae), Labcorp
Classification: Pathogenic for 2-aminoadipic 2-oxoadipic aciduria. Last evaluated: 2025-10-03. Review status: criteria provided, single submitter. Criteria: Invitae Variant Classification Sherloc (09022015). Collection method: clinical testing. Allele origin: germline.
Comment: This sequence change creates a premature translational stop signal (p.Trp861*) in the DHTKD1 gene. It is expected to result in an absent or disrupted protein product. Loss-of-function variants in DHTKD1 are known to be pathogenic (PMID: 23141293, 25860818). This variant is present in population databases (no rsID available, gnomAD 0.01%). This variant has not been reported in the literature in individuals affected with DHTKD1-related conditions. ClinVar contains an entry for this variant (Variation ID: 2230330). For these reasons, this variant has been classified as Pathogenic.

Ambry Genetics
Classification: Pathogenic for Inborn genetic diseases. Last evaluated: 2021-04-28. Review status: criteria provided, single submitter. Criteria: Ambry Variant Classification Scheme 2023. Collection method: clinical testing. Allele origin: germline.
Comment: The c.2583G>A (p.W861*) alteration, located in exon 16 (coding exon 16) of the DHTKD1 gene, consists of a G to A substitution at nucleotide position 2583. This changes the amino acid from a tryptophan (W) to a stop codon at amino acid position 861. This alteration is expected to result in loss of function by premature protein truncation or nonsense-mediated mRNA decay. Based on the available evidence, this alteration is classified as pathogenic.

Literature cited by the submitters: PubMed 23141293 (cited by Labcorp Genetics (formerly Invitae), Labcorp); PubMed 25860818 (cited by Labcorp Genetics (formerly Invitae), Labcorp).